The following is an entry in ClinVar:

NM_152309.3(PIK3AP1):c.1941+5C>A

Gene: PIK3AP1 (phosphoinositide-3-kinase adaptor protein 1; minus strand). Cytogenetic location: 10q24.1.
Variant type: single nucleotide variant.
Coding change: c.1941+5C>A on transcript NM_152309.3 (MANE Select); 5 bases into the intron after coding-DNA position 1941, C replaced by A.
Molecular consequence: intron variant.
Genome position (GRCh38, 1-based): chr10:96,620,347, G>T on the plus strand (C>A on the coding strand, the complement: PIK3AP1 is on the minus strand). VCF-style: chr10-96620347-G-T. GRCh37 (hg19) VCF-style: chr10-98380104-G-T.
Identifiers: ClinVar variation 1397952 (VCV001397952.6), dbSNP rs745868556, ClinGen allele CA5626129.
Genomic context (GRCh38, chr10:96,620,347, plus strand): 5'-CCAGCCCTCCTCTACTGTCAAGTGGGGAAATAGACATGAAACAAATTCCATACGAAGCTA[G>T]TTACCTGCTGGAAACGAAAGGACTCCGATCGTTTCTTCTGGTTGAGCTGCCACTCTTTGA-3'

ClinVar aggregate classification (germline): Uncertain significance (1 of 4 stars; one submission).

Conditions:
Infantile spasms. Also called: Infantile spasm. Identifiers: MedGen C3887898, HP:0012469.

Allele frequency attached by ClinVar (database versions not stated): gnomAD exomes 0.00001 and 0.00002; TOPMed 0.00001; gnomAD 0.00002; ExAC 0.00002.
gnomAD v4.1: 25 of 1,613,570 alleles (0.0015%); highest among the groups gnomAD compares: Non-Finnish European, 0.002%; no homozygotes.

Submission:

Labcorp Genetics (formerly Invitae), Labcorp
Classification: Uncertain significance for Infantile spasms. Last evaluated: 2025-11-09. Review status: criteria provided, single submitter. Criteria: Invitae Variant Classification Sherloc (09022015). Collection method: clinical testing. Allele origin: germline.
Comment: This sequence change falls in intron 12 of the PIK3AP1 gene. It does not directly change the encoded amino acid sequence of the PIK3AP1 protein. It affects a nucleotide within the consensus splice site. This variant is present in population databases (rs745868556, gnomAD 0.004%). This variant has not been reported in the literature in individuals affected with PIK3AP1-related conditions. ClinVar contains an entry for this variant (Variation ID: 1397952). Variants that disrupt the consensus splice site are a relatively common cause of aberrant splicing (PMID: 17576681, 9536098). Algorithms developed to predict the effect of sequence changes on RNA splicing suggest that this variant is not likely to affect RNA splicing. In summary, the available evidence is currently insufficient to determine the role of this variant in disease. Therefore, it has been classified as a Variant of Uncertain Significance.

Literature cited by the submitters: PubMed 17576681; PubMed 9536098.